The following is an entry in ClinVar:

NM_000168.6(GLI3):c.3122A>G (p.Lys1041Arg)

Gene: GLI3 (GLI family zinc finger 3; minus strand). Cytogenetic location: 7p14.1.
Variant type: single nucleotide variant.
Coding change: c.3122A>G on transcript NM_000168.6 (MANE Select); coding-DNA position 3122, A replaced by G.
Protein change: p.Lys1041Arg; replaces lysine 1041 with arginine.
Molecular consequence: missense variant.
Genome position (GRCh38, 1-based): chr7:41,965,951, T>C on the plus strand (A>G on the coding strand, the complement: GLI3 is on the minus strand). VCF-style: chr7-41965951-T-C. GRCh37 (hg19) VCF-style: chr7-42005549-T-C.
Other names: short protein forms K1041R.
Identifiers: ClinVar variation 571948 (VCV000571948.9), dbSNP rs747875277, ClinGen allele CA4230441.

ClinVar aggregate classification (germline): Conflicting classifications of pathogenicity. Review status: criteria provided, conflicting classifications (1 of 4 stars). 2 submissions from 2 submitters: Uncertain significance (1); Likely benign (1). Last evaluated 2026-01-06.

Conditions:
Pallister-Hall syndrome (PHS). Also called: GLI3-Related Pallister-Hall Syndrome; HYPOTHALAMIC HAMARTOBLASTOMA, HYPOPITUITARISM, IMPERFORATE ANUS, AND POSTAXIAL POLYDACTYLY. Identifiers: Orphanet 672, MedGen C0265220, MONDO:0007804, OMIM 146510.
Greig cephalopolysyndactyly syndrome (GCPS). Also called: GLI3-Related Greig Cephalopolysyndactyly Syndrome; Greig syndrome; POLYSYNDACTYLY WITH PECULIAR SKULL SHAPE. Identifiers: Orphanet 380, MedGen C0265306, MONDO:0008287, OMIM 175700.
GLI3-related disorder. Also called: GLI3-related disorders; GLI3-related condition. Identifiers: MedGen CN239292.

Allele frequency attached by ClinVar (database versions not stated): gnomAD 0.00001; gnomAD exomes 0.00001 and 0.00003; TOPMed 0.00001; ExAC 0.00002.
gnomAD v4.1: 9 of 1,611,542 alleles (0.00056%); highest among the groups gnomAD compares: Admixed American, 0.015%; no homozygotes.

Submissions (2):

PreventionGenetics, part of Exact Sciences
Classification: Uncertain significance for GLI3-related condition. Last evaluated: 2026-01-06. Review status: criteria provided, single submitter. Criteria: ACMG Guidelines, 2015. Collection method: clinical testing. Allele origin: germline.
Comment: The GLI3 c.3122A>G variant is predicted to result in the amino acid substitution p.Lys1041Arg. To our knowledge, this variant has not been reported in the literature. This variant is reported in 0.025% of alleles in individuals of Latino descent in gnomAD. Although we suspect that this variant may be benign, at this time, the clinical significance of this variant is uncertain due to the absence of conclusive functional and genetic evidence.

Labcorp Genetics (formerly Invitae), Labcorp
Classification: Likely benign for Pallister-Hall syndrome; Greig cephalopolysyndactyly syndrome. Last evaluated: 2023-11-29. Review status: criteria provided, single submitter. Criteria: Invitae Variant Classification Sherloc (09022015). Collection method: clinical testing. Allele origin: germline.